The following is an entry in ClinVar:

ClinVar aggregate classification (germline): Uncertain significance (1 of 4 stars; one submission).

Submission:

CeGaT Center for Human Genetics Tuebingen
Classification: Uncertain significance. Last evaluated: 2025-06-01. Review status: criteria provided, single submitter. Criteria: CeGaT Center For Human Genetics Tuebingen Variant Classification Criteria Version 2. Collection method: clinical testing. Allele origin: germline. Affected: yes. Observed: 1 variant allele.
Comment: MED23: PM2, PP2, PP3

NM_004830.4(MED23):c.2179T>C (p.Trp727Arg)

Gene: MED23 (mediator complex subunit 23; minus strand). Cytogenetic location: 6q23.2.
Variant type: single nucleotide variant.
Coding change: c.2179T>C on transcript NM_004830.4 (MANE Select); coding-DNA position 2179, T replaced by C.
Protein change: p.Trp727Arg; replaces tryptophan 727 with arginine.
Molecular consequence: missense variant.
Genome position (GRCh38, 1-based): chr6:131,600,079, A>G on the plus strand (T>C on the coding strand, the complement: MED23 is on the minus strand). VCF-style: chr6-131600079-A-G. GRCh37 (hg19) VCF-style: chr6-131921219-A-G.
Other names: c.2179T>C, p.Trp727Arg (NM_001270521.2, NM_001270522.2, NM_001376519.1 and 3 more transcripts); c.2197T>C, p.Trp733Arg (NM_001376517.1, NM_015979.4); c.2125T>C, p.Trp709Arg (NM_001376518.1); c.2038T>C, p.Trp680Arg (NM_001376520.1); c.1924T>C, p.Trp642Arg (NM_001376523.1); short protein forms W642R, W680R, W709R, W727R, W733R.
Identifiers: ClinVar variation 3906007 (VCV003906007.10).